The following is an entry in ClinVar:

NM_015465.5(GEMIN5):c.1802C>T (p.Ala601Val)

Gene: GEMIN5 (gem nuclear organelle associated protein 5; minus strand). Cytogenetic location: 5q33.2.
Variant type: single nucleotide variant.
Coding change: c.1802C>T on transcript NM_015465.5 (MANE Select); coding-DNA position 1802, C replaced by T.
Protein change: p.Ala601Val; replaces alanine 601 with valine.
Molecular consequence: missense variant.
Genome position (GRCh38, 1-based): chr5:154,917,051, G>A on the plus strand (C>T on the coding strand, the complement: GEMIN5 is on the minus strand). VCF-style: chr5-154917051-G-A. GRCh37 (hg19) VCF-style: chr5-154296611-G-A.
Other names: c.1799C>T, p.Ala600Val (NM_001252156.2); short protein forms A600V, A601V.
Identifiers: ClinVar variation 2627245 (VCV002627245.3), dbSNP rs115321488, ClinGen allele CA3528881.

ClinVar aggregate classification (germline): Uncertain significance. Review status: criteria provided, single submitter (1 of 4 stars). 2 submissions from 2 submitters: Uncertain significance (1). 1 of the submissions does not count toward it. Last evaluated 2023-09-01.

Conditions:
GEMIN5-related disorder. Also called: GEMIN5-Related Disorders; GEMIN5-related condition.

Allele frequency attached by ClinVar (database versions not stated): gnomAD exomes 0.00009; ExAC 0.00025; ESP Exome Variant Server 0.00054; TOPMed 0.00088; gnomAD 0.00092; 1000 Genomes Project 0.00120; 1000 Genomes Project 30x 0.00125.
gnomAD v4.1: 278 of 1,608,176 alleles (0.017%); highest among the groups gnomAD compares: African/African-American, 0.32%; no homozygotes.

Submissions (2):

Women's Health and Genetics/Laboratory Corporation of America, LabCorp
Classification: Uncertain significance. Last evaluated: 2023-09-01. Review status: criteria provided, single submitter. Criteria: LabCorp Variant Classification Summary - May 2015. Collection method: clinical testing. Allele origin: germline.
Comment: Variant summary: GEMIN5 c.1802C>T (p.Ala601Val) results in a non-conservative amino acid change in the encoded protein sequence. Four of five in-silico tools predict a damaging effect of the variant on protein function. The variant allele was found at a frequency of 0.0002 in 250156 control chromosomes. To our knowledge, no occurrence of c.1802C>T in individuals affected with GEMIN5-Related Disorder and no experimental evidence demonstrating its impact on protein function have been reported. No submitters have cited clinical-significance assessments for this variant to ClinVar after 2014. Based on the evidence outlined above, the variant was classified as uncertain significance.

PreventionGenetics, part of Exact Sciences
Classification: Likely benign for GEMIN5-related condition. Last evaluated: 2022-07-06. Review status: no assertion criteria provided. Collection method: clinical testing. Allele origin: germline. Not counted in ClinVar's aggregate classification.
Comment: This variant is classified as likely benign based on ACMG/AMP sequence variant interpretation guidelines (Richards et al. 2015 PMID: 25741868, with internal and published modifications).

Literature cited by the submitters: PubMed 23892092 (cited by Women's Health and Genetics/Laboratory Corporation of America, LabCorp).